The following is an entry in ClinVar:

NM_001004334.4(GPR179):c.5000A>G (p.Asp1667Gly)

Gene: GPR179 (G protein-coupled receptor 179; minus strand). Cytogenetic location: 17q12.
Variant type: single nucleotide variant.
Coding change: c.5000A>G on transcript NM_001004334.4 (MANE Select); coding-DNA position 5000, A replaced by G.
Protein change: p.Asp1667Gly; replaces aspartic acid 1667 with glycine.
Molecular consequence: missense variant.
Genome position (GRCh38, 1-based): chr17:38,328,569, T>C on the plus strand (A>G on the coding strand, the complement: GPR179 is on the minus strand). VCF-style: chr17-38328569-T-C. GRCh37 (hg19) VCF-style: chr17-36484452-T-C.
Other names: short protein forms D1667G.
Identifiers: ClinVar variation 1899199 (VCV001899199.4), dbSNP rs555676077, ClinGen allele CA290103803.

ClinVar aggregate classification (germline): Uncertain significance. Review status: criteria provided, multiple submitters, no conflicts (2 of 4 stars). 2 submissions from 2 submitters: Uncertain significance (2). Last evaluated 2022-06-17.

Allele frequency attached by ClinVar (database versions not stated): ExAC 0.00001; gnomAD 0.00002; gnomAD exomes 0.00002; TOPMed 0.00002; 1000 Genomes Project 30x 0.00016; 1000 Genomes Project 0.00020.
gnomAD v4.1: 32 of 1,614,102 alleles (0.002%); highest among the groups gnomAD compares: Admixed American, 0.017%; no homozygotes.

Submissions (2):

Labcorp Genetics (formerly Invitae), Labcorp
Classification: Uncertain significance. Last evaluated: 2022-06-17. Review status: criteria provided, single submitter. Criteria: Invitae Variant Classification Sherloc (09022015). Collection method: clinical testing. Allele origin: germline.
Comment: This variant has not been reported in the literature in individuals affected with GPR179-related conditions. In summary, the available evidence is currently insufficient to determine the role of this variant in disease. Therefore, it has been classified as a Variant of Uncertain Significance. Algorithms developed to predict the effect of missense changes on protein structure and function are either unavailable or do not agree on the potential impact of this missense change (SIFT: "Deleterious"; PolyPhen-2: "Benign"; Align-GVGD: "Class C0"). This variant is present in population databases (rs555676077, gnomAD 0.02%). This sequence change replaces aspartic acid, which is acidic and polar, with glycine, which is neutral and non-polar, at codon 1667 of the GPR179 protein (p.Asp1667Gly).

Blueprint Genetics
Classification: Uncertain significance. Last evaluated: 2021-10-13. Review status: criteria provided, single submitter. Criteria: ACMG Guidelines, 2015. Collection method: clinical testing. Allele origin: germline.